The following is an entry in ClinVar:

ClinVar aggregate classification (germline): Likely pathogenic (1 of 4 stars; one submission).

Conditions:
Polycystic kidney disease, adult type (PKD1). Also called: POLYCYSTIC KIDNEY DISEASE, ADULT, TYPE I; Polycystic Kidney Disease 1, Autosomal Dominant; Polycystic kidney disease 1; Polycystic kidney disease 1, severe; Polycystic Kidney, Autosomal Dominant; POLYCYSTIC KIDNEY DISEASE 1 WITH OR WITHOUT POLYCYSTIC LIVER DISEASE. Identifiers: MedGen C3149841, MONDO:0008263, OMIM 173900.

Submission:

Juno Genomics, Hangzhou Juno Genomics, Inc
Classification: Likely pathogenic for Polycystic kidney disease, adult type. Review status: criteria provided, single submitter. Criteria: ACMG Guidelines, 2015. Collection method: clinical testing. Allele origin: germline. Affected: yes.
Comment: Null variant in a gene where loss of function (LOF) is a known mechanism of disease.;Absent from controls (or at extremely low frequency if recessive) in Genome Aggregation Database, Exome Sequencing Project, 1000 Genomes Project, or Exome Aggregation Consortium.;Patient's phenotype or family history is highly specific for a disease with a single genetic etiology.

NM_001009944.3(PKD1):c.2985+2_2985+4del

Gene: PKD1 (polycystin 1, transient receptor potential channel interacting; minus strand). Cytogenetic location: 16p13.3.
Variant type: Deletion.
Coding change: c.2985+2_2985+4del on transcript NM_001009944.3 (MANE Select); the canonical splice donor site of the intron after coding-DNA position 2985 through 4 bases into the intron after coding-DNA position 2985, 3 bases deleted (TAG; older notation c.2985+2_2985+4delTAG).
Molecular consequence: splice donor variant.
Genome position (GRCh38, 1-based): chr16:2,113,157-2,113,159, CTA deleted on the plus strand (TAG on the coding strand, the reverse complement: PKD1 is on the minus strand); deleting any 3 consecutive bases within chr16:2,113,157-2,113,161 gives the same sequence; the c. name uses the placement nearest the transcript's 3' end. VCF-style (leftmost placement, unchanged base first): chr16-2113156-CCTA-C. GRCh37 (hg19) VCF-style: chr16-2163157-CCTA-C.
Other names: c.2985+2_2985+4del (NM_000296.4).
Identifiers: ClinVar variation 3382318 (VCV003382318.2).
Genomic context (GRCh38, chr16:2,113,156, plus strand): 5'-AAGGTGGAGCCCGCCCCCGCCCTGCCCCGCCCCATCCCCTCCCCTCCCCACCCCCGCCCA[CCTA>C]CTGAGAGCTTGAAGACCGCCGCGCTCTGATAAATGACATTGAAGACCACGTTCTGGAAGG-3'